The following is an entry in ClinVar:

ClinVar aggregate classification (germline): Conflicting classifications of pathogenicity. Review status: criteria provided, conflicting classifications (1 of 4 stars). 5 submissions from 4 submitters: Uncertain significance (3); Likely benign (2). Last evaluated 2025-09-10.

Conditions:
Cardiomyopathy (CMYO). Also called: Cardiomyopathies. Identifiers: Orphanet 167848, MedGen C0878544, MONDO:0004994, HP:0001638. Inheritance: Various modes of inheritance.
Hypertrophic cardiomyopathy 3. Also called: TPM1-Related Familial Hypertrophic Cardiomyopathy. Identifiers: MedGen C1861863, MONDO:0007267, OMIM 115196.
Dilated cardiomyopathy 1Y (CMD1Y). Identifiers: Orphanet 154, Orphanet 54260, MedGen C2678476, MONDO:0012744, OMIM 611878.
Hypertrophic cardiomyopathy. Also called: HYPERTROPHIC MYOCARDIOPATHY. Identifiers: Orphanet 217569, MedGen C0007194, MeSH D002312, MONDO:0005045, HP:0001639.

Allele frequency attached by ClinVar (database versions not stated): gnomAD exomes below 0.00001 and 0.00001; TOPMed 0.00002.
gnomAD v4.1: 8 of 1,614,182 alleles (0.0005%); highest among the groups gnomAD compares: Admixed American, 0.01%; no homozygotes.

Submissions (5):

Color Diagnostics, LLC DBA Color Health
Classification: Likely benign for Cardiomyopathy. Last evaluated: 2025-09-10. Review status: criteria provided, single submitter. Criteria: ACMG Guidelines, 2015. Collection method: clinical testing. Allele origin: germline.

Labcorp Genetics (formerly Invitae), Labcorp
Classification: Likely benign for Hypertrophic cardiomyopathy. Last evaluated: 2025-08-03. Review status: criteria provided, single submitter. Criteria: Invitae Variant Classification Sherloc (09022015). Collection method: clinical testing. Allele origin: germline.

Illumina Laboratory Services, Illumina
Classification: Uncertain significance for Hypertrophic cardiomyopathy 3. Last evaluated: 2018-01-12. Review status: criteria provided, single submitter. Criteria: ICSL Variant Classification Criteria 13 December 2019. Collection method: clinical testing. Allele origin: germline.

Illumina Laboratory Services, Illumina
Classification: Uncertain significance for Dilated cardiomyopathy 1Y. Last evaluated: 2018-01-12. Review status: criteria provided, single submitter. Criteria: ICSL Variant Classification Criteria 13 December 2019. Collection method: clinical testing. Allele origin: germline.

Laboratory for Molecular Medicine, Mass General Brigham Personalized Medicine
Classification: Uncertain significance. Last evaluated: 2013-02-19. Review status: criteria provided, single submitter. Criteria: LMM Criteria. Collection method: clinical testing. Allele origin: germline. Observed: 3 variant alleles.
Comment: Variant classified as Uncertain Significance - Favor Benign. This variant has not been identif ied in large and broad European American and African American populations by the NHLBI Exome Sequencing Project, though it ma y be common in other populations. This variant is located in the 3' splice regio n. Computational tools do not suggest an impact to splicing, though this informa tion is not predictive enough to rule out pathogenicity. In addition, pathogenic splice variants have not been reported in the TPM1 gene. In summary, the availa ble information suggests that this variant is more likely benign, though additio nal information is needed to fully assess its clinical significance.

NM_001018005.2(TPM1):c.493-6C>T

Gene: TPM1 (tropomyosin 1; plus strand). Cytogenetic location: 15q22.2.
Variant type: single nucleotide variant.
Coding change: c.493-6C>T on transcript NM_001018005.2 (MANE Select); 6 bases into the intron before coding-DNA position 493, C replaced by T.
Molecular consequence: intron variant.
Genome position (GRCh38, 1-based): chr15:63,060,863, C>T. VCF-style: chr15-63060863-C-T. GRCh37 (hg19) VCF-style: chr15-63353062-C-T.
Other names: c.619-6C>T (NM_001365778.1); c.493-6C>T (NM_001018020.2, NM_001018007.2, NM_001018006.2 and 6 more transcripts); c.385-6C>T (NM_001330351.2, NM_001330344.2, NM_001018008.2 and 5 more transcripts).
Identifiers: ClinVar variation 43421 (VCV000043421.17), dbSNP rs397516374, ClinGen allele CA018088.